The following is an entry in ClinVar:

ClinVar aggregate classification (germline): Uncertain significance. Review status: criteria provided, multiple submitters, no conflicts (2 of 4 stars). 6 submissions from 6 submitters: Uncertain significance (6). Last evaluated 2025-12-10.

Conditions:
Familial adenomatous polyposis 1 (FAP1). Also called: FAMILIAL ADENOMATOUS POLYPOSIS 1, ATTENUATED; POLYPOSIS, ADENOMATOUS INTESTINAL. Identifiers: MedGen C2713442, MONDO:0021056, OMIM 175100. Disease mechanism: loss of function.
Hereditary cancer-predisposing syndrome. Also called: Neoplastic Syndromes, Hereditary; Tumor predisposition; Hereditary Cancer Syndrome; Hereditary neoplastic syndrome. Identifiers: Orphanet 140162, MedGen C0027672, MeSH D009386, MONDO:0015356.

Allele frequency attached by ClinVar (database versions not stated): gnomAD exomes below 0.00001; TOPMed below 0.00001; gnomAD 0.00003.
gnomAD v4.1: 4 of 1,614,136 alleles (0.00025%); highest among the groups gnomAD compares: Non-Finnish European, 0.00034%; 1 homozygote.

Submissions (6):

Labcorp Genetics (formerly Invitae), Labcorp
Classification: Uncertain significance for Familial adenomatous polyposis 1. Last evaluated: 2025-12-10. Review status: criteria provided, single submitter. Criteria: Invitae Variant Classification Sherloc (09022015). Collection method: clinical testing. Allele origin: germline.
Comment: This sequence change replaces threonine, which is neutral and polar, with isoleucine, which is neutral and non-polar, at codon 1653 of the APC protein (p.Thr1653Ile). This variant is present in population databases (no rsID available, gnomAD 0.003%). This variant has not been reported in the literature in individuals affected with APC-related conditions. ClinVar contains an entry for this variant (Variation ID: 485148). Invitae Evidence Modeling of protein sequence and biophysical properties (such as structural, functional, and spatial information, amino acid conservation, physicochemical variation, residue mobility, and thermodynamic stability) indicates that this missense variant is not expected to disrupt APC protein function with a negative predictive value of 95%. In summary, the available evidence is currently insufficient to determine the role of this variant in disease. Therefore, it has been classified as a Variant of Uncertain Significance.

Color Diagnostics, LLC DBA Color Health
Classification: Uncertain significance for Hereditary cancer-predisposing syndrome. Last evaluated: 2025-06-17. Review status: criteria provided, single submitter. Criteria: ACMG Guidelines, 2015. Collection method: clinical testing. Allele origin: germline.
Comment: This missense variant replaces threonine with isoleucine at codon 1653 of the APC protein. Computational prediction suggests that this variant may not impact protein structure and function. To our knowledge, functional studies have not been reported for this variant. This variant has not been reported in individuals affected with APC-related disorders in the literature. This variant has been identified in 2/282240 chromosomes in the general population by the Genome Aggregation Database (gnomAD). The available evidence is insufficient to determine the role of this variant in disease conclusively. Therefore, this variant is classified as a Variant of Uncertain Significance.

Ambry Genetics
Classification: Uncertain significance for Hereditary cancer-predisposing syndrome. Last evaluated: 2024-10-29. Review status: criteria provided, single submitter. Criteria: Ambry Variant Classification Scheme 2023. Collection method: clinical testing. Allele origin: germline.
Comment: The p.T1653I variant (also known as c.4958C>T), located in coding exon 15 of the APC gene, results from a C to T substitution at nucleotide position 4958. The threonine at codon 1653 is replaced by isoleucine, an amino acid with similar properties. Missense alterations in APC are not a common cause of disease (Spier I et al. Genet Med. 2024 Feb;26(2):100992). This amino acid position is highly conserved in available vertebrate species. In addition, in silico predictors for this gene do not accurately predict pathogenicity. Based on the available evidence, the clinical significance of this variant remains unclear.

Quest Diagnostics Nichols Institute San Juan Capistrano
Classification: Uncertain significance. Last evaluated: 2024-06-18. Review status: criteria provided, single submitter. Criteria: Quest Diagnostics criteria. Collection method: clinical testing. Allele origin: unknown.
Comment: The APC c.4958C>T (p.Thr1653Ile) variant has not been reported in individuals with APC-related conditions in the published literature. The frequency of this variant in the general population, 0.0000071 (2/282240 chromosomes (Genome Aggregation Database)), is uninformative in the assessment of its pathogenicity. Analysis of this variant using bioinformatics tools for the prediction of the effect of amino acid changes on protein structure and function yielded predictions that this variant is damaging. Based on the available information, we are unable to determine the clinical significance of this variant.

GeneDx
Classification: Uncertain significance. Last evaluated: 2023-06-05. Review status: criteria provided, single submitter. Criteria: GeneDx Variant Classification Process June 2021. Collection method: clinical testing. Allele origin: germline. Affected: yes.
Comment: Not observed at significant frequency in large population cohorts (gnomAD); In silico analysis supports that this missense variant has a deleterious effect on protein structure/function; Has not been previously published as pathogenic or benign to our knowledge; This variant is associated with the following publications: (PMID: 18199528)

Institute for Genomic Medicine (IGM) Clinical Laboratory, Nationwide Children's Hospital
Classification: Uncertain significance for Familial adenomatous polyposis 1. Last evaluated: 2023-03-22. Review status: criteria provided, single submitter. Criteria: ACMG Guidelines, 2015. Collection method: clinical testing. Allele origin: germline.
Comment: This variant is absent from or present at an exceedingly low frequency in gnomAD, a large-scale control population database (ACMG/AMP: PM2). This variant results in a missense alteration in a gene for which primarily truncating variants are known to cause disease (ACMG/AMP: BP1).

NM_000038.6(APC):c.4958C>T (p.Thr1653Ile)

Gene: APC (APC regulator of Wnt signaling pathway; plus strand). Cytogenetic location: 5q22.2.
Variant type: single nucleotide variant.
Coding change: c.4958C>T on transcript NM_000038.6 (MANE Select); coding-DNA position 4958, C replaced by T.
Protein change: p.Thr1653Ile; replaces threonine 1653 with isoleucine.
Molecular consequence: missense variant.
Genome position (GRCh38, 1-based): chr5:112,840,552, C>T. VCF-style: chr5-112840552-C-T. GRCh37 (hg19) VCF-style: chr5-112176249-C-T.
Other names: c.4958C>T, p.Thr1653Ile (NM_001127510.3, NM_001354895.2); c.4904C>T, p.Thr1635Ile (NM_001127511.3); c.5012C>T, p.Thr1671Ile (NM_001354896.2); c.4988C>T, p.Thr1663Ile (NM_001354897.2); c.4883C>T, p.Thr1628Ile (NM_001354898.2); c.4874C>T, p.Thr1625Ile (NM_001354899.2); c.4835C>T, p.Thr1612Ile (NM_001354900.2); c.4781C>T, p.Thr1594Ile (NM_001354901.2); and 5 more; short protein forms T1635I, T1653I, T1552I, T1612I, T1663I, T1671I, T1594I, T1370I.
Identifiers: ClinVar variation 485148 (VCV000485148.23), dbSNP rs1485282469, ClinGen allele CA16032190.